The following is an entry in ClinVar:

ClinVar aggregate classification (germline): Pathogenic/Likely pathogenic. Review status: criteria provided, multiple submitters, no conflicts (2 of 4 stars). 3 submissions from 3 submitters: Pathogenic (2); Likely pathogenic (1). Last evaluated 2022-05-04.

Conditions:
Retinitis pigmentosa 3. Also called: CHOROIDORETINAL DEGENERATION WITH RETINAL REFLEX IN HETEROZYGOUS WOMEN. Identifiers: Orphanet 791, MedGen C1845667, MONDO:0010227, OMIM 300029.

Submissions (3):

Mendelics
Classification: Pathogenic for Retinitis pigmentosa 3. Last evaluated: 2022-05-04. Review status: criteria provided, single submitter. Criteria: Mendelics Assertion Criteria 2019. Collection method: clinical testing. Allele origin: germline.

DBGen Ocular Genomics
Classification: Likely pathogenic for Retinitis pigmentosa 3. Last evaluated: 2022-01-01. Review status: criteria provided, single submitter. Criteria: ACMG Guidelines, 2015. Collection method: clinical testing. Allele origin: unknown. Inheritance: X-linked inheritance. Affected: yes.
Comment: Class 4 ACMG Guidelines, 2015 (PMID:25741868)

Genetics Laboratory, Department of Biology, Semnan University
Classification: Pathogenic for Retinitis pigmentosa 3. Last evaluated: 2019-04-13. Review status: criteria provided, single submitter. Criteria: ACMG Guidelines, 2015. Collection method: case-control. Allele origin: inherited. Inheritance: X-linked recessive inheritance. Affected: yes. Observed: 1 hemizygote.
Comment: The identified mutation leads to the substitution of Glutamic acid 1062 with a stop codon (E1062X) in the RPGR protein. Hence, this substitution alters the amino acid sequence and leads to a premature stop codon at position 1062 with the complete loss of rest of the protein sequence leading to truncated protein.

NM_001034853.2(RPGR):c.3184G>T (p.Glu1062Ter)

Gene: RPGR (retinitis pigmentosa GTPase regulator; minus strand). Cytogenetic location: Xp11.4.
Variant type: single nucleotide variant.
Coding change: c.3184G>T on transcript NM_001034853.2 (MANE Select); coding-DNA position 3184, G replaced by T.
Protein change: p.Glu1062Ter; replaces glutamic acid 1062 with a stop codon.
Molecular consequence: nonsense. On other transcripts: intron variant (8).
Genome position (GRCh38, 1-based): chrX:38,285,815, C>A on the plus strand (G>T on the coding strand, the complement: RPGR is on the minus strand). VCF-style: chrX-38285815-C-A. GRCh37 (hg19) VCF-style: chrX-38145068-C-A.
Other names: c.1569+5144G>T (NM_001367249.1, NM_001367250.1); c.1902+1279G>T (NM_001367245.1); c.1386+5144G>T (NM_001367251.1); c.1719+1279G>T (NM_001367246.1); c.1572+5144G>T (NM_001367247.1); c.1905+1279G>T (NM_000328.3); c.1602+5144G>T (NM_001367248.1); short protein forms E1062*.
Identifiers: ClinVar variation 1686130 (VCV001686130.5), dbSNP rs2147190626, ClinGen allele CA412728812.